The following is an entry in ClinVar:

ClinVar aggregate classification (germline): Uncertain significance. Review status: criteria provided, multiple submitters, no conflicts (2 of 4 stars). 2 submissions from 2 submitters: Uncertain significance (2). Last evaluated 2023-12-12.

Allele frequency attached by ClinVar (database versions not stated): gnomAD 0.00007; ExAC 0.00008; ESP Exome Variant Server 0.00008; TOPMed 0.00008.
gnomAD v4.1: 101 of 1,612,884 alleles (0.0063%); highest among the groups gnomAD compares: Non-Finnish European, 0.0075%; no homozygotes.

Submissions (2):

GeneDx
Classification: Uncertain significance. Last evaluated: 2023-12-12. Review status: criteria provided, single submitter. Criteria: GeneDx Variant Classification Process June 2021. Collection method: clinical testing. Allele origin: germline. Affected: yes.
Comment: In silico analysis supports that this missense variant has a deleterious effect on protein structure/function; Has not been previously published as pathogenic or benign to our knowledge

Labcorp Genetics (formerly Invitae), Labcorp
Classification: Uncertain significance. Last evaluated: 2022-04-12. Review status: criteria provided, single submitter. Criteria: Invitae Variant Classification Sherloc (09022015). Collection method: clinical testing. Allele origin: germline.
Comment: In summary, the available evidence is currently insufficient to determine the role of this variant in disease. Therefore, it has been classified as a Variant of Uncertain Significance. Algorithms developed to predict the effect of missense changes on protein structure and function are either unavailable or do not agree on the potential impact of this missense change (SIFT: "Deleterious"; PolyPhen-2: "Benign"; Align-GVGD: "Class C0"). This variant has not been reported in the literature in individuals affected with LAMA5-related conditions. This variant is present in population databases (rs139955074, gnomAD 0.01%). This sequence change replaces arginine, which is basic and polar, with cysteine, which is neutral and slightly polar, at codon 1627 of the LAMA5 protein (p.Arg1627Cys).

NM_005560.6(LAMA5):c.4879C>T (p.Arg1627Cys)

Gene: LAMA5 (laminin subunit alpha 5; minus strand). Cytogenetic location: 20q13.33.
Variant type: single nucleotide variant.
Coding change: c.4879C>T on transcript NM_005560.6 (MANE Select); coding-DNA position 4879, C replaced by T.
Protein change: p.Arg1627Cys; replaces arginine 1627 with cysteine.
Molecular consequence: missense variant.
Genome position (GRCh38, 1-based): chr20:62,327,588, G>A on the plus strand (C>T on the coding strand, the complement: LAMA5 is on the minus strand). VCF-style: chr20-62327588-G-A. GRCh37 (hg19) VCF-style: chr20-60902644-G-A.
Other names: c.4879C>T (NM_005560.3); short protein forms R1627C.
Identifiers: ClinVar variation 2186356 (VCV002186356.5), dbSNP rs139955074, ClinGen allele CA9942450.